The following is an entry in ClinVar:

NM_006662.3(SRCAP):c.7240G>C (p.Val2414Leu)

Gene: SRCAP (Snf2 related CREBBP activator protein; plus strand). Cytogenetic location: 16p11.2.
Variant type: single nucleotide variant.
Coding change: c.7240G>C on transcript NM_006662.3 (MANE Select); coding-DNA position 7240, G replaced by C.
Protein change: p.Val2414Leu; replaces valine 2414 with leucine.
Molecular consequence: missense variant.
Genome position (GRCh38, 1-based): chr16:30,737,280, G>C. VCF-style: chr16-30737280-G-C. GRCh37 (hg19) VCF-style: chr16-30748601-G-C.
Other names: short protein forms V2414L.
Identifiers: ClinVar variation 4736057 (VCV004736057.1).

ClinVar aggregate classification (germline): Uncertain significance (1 of 4 stars; one submission).

Submission:

Labcorp Genetics (formerly Invitae), Labcorp
Classification: Uncertain significance. Last evaluated: 2025-04-10. Review status: criteria provided, single submitter. Criteria: Invitae Variant Classification Sherloc (09022015). Collection method: clinical testing. Allele origin: germline.
Comment: This sequence change replaces valine, which is neutral and non-polar, with leucine, which is neutral and non-polar, at codon 2414 of the SRCAP protein (p.Val2414Leu). This variant is not present in population databases (gnomAD no frequency). This variant has not been reported in the literature in individuals affected with SRCAP-related conditions. Invitae Evidence Modeling of protein sequence and biophysical properties (such as structural, functional, and spatial information, amino acid conservation, physicochemical variation, residue mobility, and thermodynamic stability) indicates that this missense variant is not expected to disrupt SRCAP protein function with a negative predictive value of 80%. In summary, the available evidence is currently insufficient to determine the role of this variant in disease. Therefore, it has been classified as a Variant of Uncertain Significance.